The following is an entry in ClinVar:

ClinVar aggregate classification (germline): Pathogenic (1 of 4 stars; one submission).

Submission:

Labcorp Genetics (formerly Invitae), Labcorp
Classification: Pathogenic. Last evaluated: 2023-01-17. Review status: criteria provided, single submitter. Criteria: Invitae Variant Classification Sherloc (09022015). Collection method: clinical testing. Allele origin: germline.
Comment: This sequence change creates a premature translational stop signal (p.Gly198Valfs*30) in the GNPAT gene. It is expected to result in an absent or disrupted protein product. Loss-of-function variants in GNPAT are known to be pathogenic (PMID: 9536089, 21990100). This variant is not present in population databases (gnomAD no frequency). This variant has not been reported in the literature in individuals affected with GNPAT-related conditions. For these reasons, this variant has been classified as Pathogenic.

Literature cited by the submitters: PubMed 9536089; PubMed 21990100.

NM_014236.4(GNPAT):c.593del (p.Gly198fs)

Gene: GNPAT (glyceronephosphate O-acyltransferase; plus strand). Cytogenetic location: 1q42.2.
Variant type: Deletion.
Coding change: c.593del on transcript NM_014236.4 (MANE Select); coding-DNA position 593, one base deleted (G; older notation c.593delG).
Protein change: p.Gly198fs; shifts the reading frame from glycine 198.
Molecular consequence: frameshift variant.
Genome position (GRCh38, 1-based): chr1:231,265,317, G deleted; the last of 2 consecutive G bases (chr1:231,265,316-231,265,317); deleting either gives the same sequence. VCF-style (leftmost placement, unchanged base first): chr1-231265315-TG-T. GRCh37 (hg19) VCF-style: chr1-231401061-TG-T.
Other names: c.410del, p.Gly137fs (NM_001316350.2); short protein forms G137fs, G198fs.
Identifiers: ClinVar variation 2829713 (VCV002829713.3), dbSNP rs2527022021, ClinGen allele CA2650998781.